The following is an entry in ClinVar:

NM_182914.3(SYNE2):c.14078G>A (p.Arg4693Lys)

Gene: SYNE2 (spectrin repeat containing nuclear envelope protein 2; plus strand). Cytogenetic location: 14q23.2.
Variant type: single nucleotide variant.
Coding change: c.14078G>A on transcript NM_182914.3 (MANE Select); coding-DNA position 14078, G replaced by A.
Protein change: p.Arg4693Lys; replaces arginine 4693 with lysine.
Molecular consequence: missense variant.
Genome position (GRCh38, 1-based): chr14:64,129,840, G>A. VCF-style: chr14-64129840-G-A. GRCh37 (hg19) VCF-style: chr14-64596558-G-A.
Other names: c.14078G>A, p.Arg4693Lys (NM_015180.6); short protein forms R4693K.
Identifiers: ClinVar variation 4712327 (VCV004712327.1).

ClinVar aggregate classification (germline): Uncertain significance (1 of 4 stars; one submission).

Conditions:
Emery-Dreifuss muscular dystrophy 5, autosomal dominant (EDMD5). Also called: EMERY-DREIFUSS MUSCULAR DYSTROPHY 5. Identifiers: Orphanet 261, MedGen C2751805, MONDO:0013072, OMIM 612999.

Submission:

Labcorp Genetics (formerly Invitae), Labcorp
Classification: Uncertain significance for Emery-Dreifuss muscular dystrophy 5, autosomal dominant. Last evaluated: 2025-02-13. Review status: criteria provided, single submitter. Criteria: Invitae Variant Classification Sherloc (09022015). Collection method: clinical testing. Allele origin: germline.
Comment: This sequence change replaces arginine, which is basic and polar, with lysine, which is basic and polar, at codon 4693 of the SYNE2 protein (p.Arg4693Lys). This variant is not present in population databases (gnomAD no frequency). This variant has not been reported in the literature in individuals affected with SYNE2-related conditions. An algorithm developed to predict the effect of missense changes on protein structure and function (PolyPhen-2) suggests that this variant is likely to be disruptive. In summary, the available evidence is currently insufficient to determine the role of this variant in disease. Therefore, it has been classified as a Variant of Uncertain Significance.